The following is an entry in ClinVar:

ClinVar aggregate classification (germline): Uncertain significance (1 of 4 stars; one submission).

Allele frequency attached by ClinVar (database versions not stated): gnomAD exomes below 0.00001; TOPMed below 0.00001.
gnomAD v4.1: 1 of 1,536,100 alleles (0.000065%); highest among the groups gnomAD compares: East Asian, 0.0024%; no homozygotes.

Submission:

Women's Health and Genetics/Laboratory Corporation of America, LabCorp
Classification: Uncertain significance. Last evaluated: 2024-04-29. Review status: criteria provided, single submitter. Criteria: LabCorp Variant Classification Summary - May 2015. Collection method: clinical testing. Allele origin: germline.
Comment: Variant summary: NEFH c.259T>C (p.Cys87Arg) results in a non-conservative amino acid change in the encoded protein sequence. Three of five in-silico tools predict a benign effect of the variant on protein function. The variant was absent in 133388 control chromosomes. The available data on variant occurrences in the general population are insufficient to allow any conclusion about variant significance. To our knowledge, no occurrence of c.259T>C in individuals affected with Charcot-Marie Tooth Disease, Axonal, Type 2CC and no experimental evidence demonstrating its impact on protein function have been reported. No submitters have cited clinical-significance assessments for this variant to ClinVar. Based on the evidence outlined above, the variant was classified as uncertain significance.

NM_021076.4(NEFH):c.259T>C (p.Cys87Arg)

Gene: NEFH (neurofilament heavy chain; plus strand). Cytogenetic location: 22q12.2.
Variant type: single nucleotide variant.
Coding change: c.259T>C on transcript NM_021076.4 (MANE Select); coding-DNA position 259, T replaced by C.
Protein change: p.Cys87Arg; replaces cysteine 87 with arginine.
Molecular consequence: missense variant.
Genome position (GRCh38, 1-based): chr22:29,480,521, T>C. VCF-style: chr22-29480521-T-C. GRCh37 (hg19) VCF-style: chr22-29876510-T-C.
Other names: short protein forms C87R.
Identifiers: ClinVar variation 3251398 (VCV003251398.1), dbSNP rs1569194098.
Genomic context (GRCh38, chr22:29,480,521, plus strand): 5'-GGCGCAGGCGCCGCCTCAAGCACCGACTCGCTGGACACGCTGAGCAACGGGCCGGAGGGC[T>C]GCATGGTGGCGGTGGCCACCTCACGCAGTGAGAAGGAGCAGCTGCAGGCGCTGAACGACC-3'
Protein context (NP_066554.2, residues 77-97): LDTLSNGPEG[Cys87Arg]MVAVATSRSE